The following is an entry in ClinVar:

ClinVar aggregate classification (germline): Uncertain significance (1 of 4 stars; one submission).

gnomAD v4.1: 2 of 1,611,680 alleles (0.00012%); highest among the groups gnomAD compares: Non-Finnish European, 0.00017%; no homozygotes.

Submission:

Ambry Genetics
Classification: Uncertain significance. Last evaluated: 2026-07-18. Review status: criteria provided, single submitter. Criteria: Ambry Variant Classification Scheme 2023. Collection method: clinical testing. Allele origin: germline.
Comment: The p.T104I variant (also known as c.311C>T), located in coding exon 3 of the RAD51B gene, results from a C to T substitution at nucleotide position 311. The threonine at codon 104 is replaced by isoleucine, an amino acid with similar properties. This amino acid position is conserved. In addition, this alteration is predicted to be deleterious by in silico analysis. Based on the available evidence, the clinical significance of this variant remains unclear.

NM_133510.4(RAD51B):c.311C>T (p.Thr104Ile)

Gene: RAD51B (RAD51 paralog B; plus strand). Cytogenetic location: 14q24.1.
Variant type: single nucleotide variant.
Coding change: c.311C>T on transcript NM_133510.4 (MANE Select); coding-DNA position 311, C replaced by T.
Protein change: p.Thr104Ile; replaces threonine 104 with isoleucine.
Molecular consequence: missense variant. On other transcripts: 5 prime UTR variant (1).
Genome position (GRCh38, 1-based): chr14:67,835,192, C>T. VCF-style: chr14-67835192-C-T. GRCh37 (hg19) VCF-style: chr14-68301909-C-T.
Other names: c.311C>T, p.Thr104Ile (NM_001321812.1, NM_001321814.2, NM_001321818.2 and 6 more transcripts); c.197C>T, p.Thr66Ile (NM_001321815.1); c.-145C>T (NM_001321817.2); short protein forms T104I, T66I.
Identifiers: ClinVar variation 5027776 (VCV005027776.1).